The following is an entry in ClinVar:

ClinVar aggregate classification (germline): Uncertain significance (1 of 4 stars; one submission).

Conditions:
EGFR-related lung cancer (EGFR). Identifiers: MedGen CN130014.

Submission:

Labcorp Genetics (formerly Invitae), Labcorp
Classification: Uncertain significance for EGFR-related lung cancer. Last evaluated: 2025-04-28. Review status: criteria provided, single submitter. Criteria: Invitae Variant Classification Sherloc (09022015). Collection method: clinical testing. Allele origin: germline.
Comment: This sequence change replaces glutamic acid, which is acidic and polar, with lysine, which is basic and polar, at codon 554 of the EGFR protein (p.Glu554Lys). This variant is not present in population databases (gnomAD no frequency). This variant has not been reported in the literature in individuals affected with EGFR-related conditions. ClinVar contains an entry for this variant (Variation ID: 3658088). Invitae Evidence Modeling of protein sequence and biophysical properties (such as structural, functional, and spatial information, amino acid conservation, physicochemical variation, residue mobility, and thermodynamic stability) indicates that this missense variant is not expected to disrupt EGFR protein function with a negative predictive value of 80%. In summary, the available evidence is currently insufficient to determine the role of this variant in disease. Therefore, it has been classified as a Variant of Uncertain Significance.

NM_005228.5(EGFR):c.1660G>A (p.Glu554Lys)

Gene: EGFR (epidermal growth factor receptor; plus strand). Cytogenetic location: 7p11.2.
Variant type: single nucleotide variant.
Coding change: c.1660G>A on transcript NM_005228.5 (MANE Select); coding-DNA position 1660, G replaced by A.
Protein change: p.Glu554Lys; replaces glutamic acid 554 with lysine.
Molecular consequence: missense variant.
Genome position (GRCh38, 1-based): chr7:55,163,761, G>A. VCF-style: chr7-55163761-G-A. GRCh37 (hg19) VCF-style: chr7-55231454-G-A.
Other names: c.1525G>A, p.Glu509Lys (NM_001346897.2, NM_001346899.2); c.1660G>A, p.Glu554Lys (NM_001346898.2, NM_201282.2, NM_201284.2); c.1501G>A, p.Glu501Lys (NM_001346900.2); c.859G>A, p.Glu287Lys (NM_001346941.2); short protein forms E501K, E554K, E287K, E509K.
Identifiers: ClinVar variation 3658088 (VCV003658088.2).